The following is an entry in ClinVar:

ClinVar aggregate classification (germline): Pathogenic (1 of 4 stars; one submission).

Conditions:
Autosomal recessive nonsyndromic hearing loss 3. Also called: NEUROSENSORY NONSYNDROMIC RECESSIVE DEAFNESS 3. Identifiers: Orphanet 90636, MedGen C1838263, MONDO:0010860, OMIM 600316.

Submission:

Institute of Rare Diseases, West China Hospital, Sichuan University
Classification: Pathogenic for Autosomal recessive nonsyndromic hearing loss 3. Last evaluated: 2025-01-09. Review status: criteria provided, single submitter. Criteria: ClinGen HL ACMG Specifications v1. Collection method: research. Allele origin: germline. Affected: yes.
Comment: PVS1;PM3_Supporting;PM2_Supporting

NM_016239.4(MYO15A):c.8824_8825insA (p.Arg2942fs)

Gene: MYO15A (myosin XVA; plus strand). Cytogenetic location: 17p11.2.
Variant type: Insertion.
Coding change: c.8824_8825insA on transcript NM_016239.4 (MANE Select); coding-DNA positions 8824 to 8825, A inserted.
Protein change: p.Arg2942fs; shifts the reading frame from arginine 2942.
Molecular consequence: frameshift variant.
Genome position: GRCh38 VCF-style: chr17-18157757-C-CA. GRCh37 (hg19) VCF-style: chr17-18061071-C-CA.
Other names: short protein forms R2942fs.
Identifiers: ClinVar variation 3601411 (VCV003601411.1).